The following is an entry in ClinVar:

NM_002291.3(LAMB1):c.3106G>A (p.Val1036Met)

Gene: LAMB1 (laminin subunit beta 1; minus strand). Cytogenetic location: 7q31.1.
Variant type: single nucleotide variant.
Coding change: c.3106G>A on transcript NM_002291.3 (MANE Select); coding-DNA position 3106, G replaced by A.
Protein change: p.Val1036Met; replaces valine 1036 with methionine.
Molecular consequence: missense variant.
Genome position (GRCh38, 1-based): chr7:107,952,197, C>T on the plus strand (G>A on the coding strand, the complement: LAMB1 is on the minus strand). VCF-style: chr7-107952197-C-T. GRCh37 (hg19) VCF-style: chr7-107592642-C-T.
Other names: short protein forms V1036M.
Identifiers: ClinVar variation 2633467 (VCV002633467.5), dbSNP rs143286536, ClinGen allele CA4435427.

ClinVar aggregate classification (germline): Uncertain significance. Review status: criteria provided, multiple submitters, no conflicts (2 of 4 stars). 2 submissions from 2 submitters: Uncertain significance (2). Last evaluated 2025-04-23.

Conditions:
LAMB1-related disorder. Also called: LAMB1-related condition.

Allele frequency attached by ClinVar (database versions not stated): ExAC 0.00006; gnomAD 0.00005; ESP Exome Variant Server 0.00015; 1000 Genomes Project 30x 0.00016; 1000 Genomes Project 0.00020.
gnomAD v4.1: 33 of 1,609,698 alleles (0.0021%); highest among the groups gnomAD compares: African/African-American, 0.011%; no homozygotes.

Submissions (2):

PreventionGenetics, part of Exact Sciences
Classification: Uncertain significance for LAMB1-related condition. Last evaluated: 2025-04-23. Review status: criteria provided, single submitter. Criteria: ACMG Guidelines, 2015. Collection method: clinical testing. Allele origin: germline.
Comment: The LAMB1 c.3106G>A variant is predicted to result in the amino acid substitution p.Val1036Met. To our knowledge, this variant has not been reported in the literature. This variant is reported in 0.019% of alleles in individuals of African descent in gnomAD. At this time, the clinical significance of this variant is uncertain due to the absence of conclusive functional and genetic evidence.

Labcorp Genetics (formerly Invitae), Labcorp
Classification: Uncertain significance. Last evaluated: 2025-03-17. Review status: criteria provided, single submitter. Criteria: Invitae Variant Classification Sherloc (09022015). Collection method: clinical testing. Allele origin: germline.
Comment: This sequence change replaces valine, which is neutral and non-polar, with methionine, which is neutral and non-polar, at codon 1036 of the LAMB1 protein (p.Val1036Met). This variant is present in population databases (rs143286536, gnomAD 0.01%). This variant has not been reported in the literature in individuals affected with LAMB1-related conditions. ClinVar contains an entry for this variant (Variation ID: 2633467). An algorithm developed to predict the effect of missense changes on protein structure and function outputs the following: PolyPhen-2: "Benign". The methionine amino acid residue is found in multiple mammalian species, which suggests that this missense change does not adversely affect protein function. In summary, the available evidence is currently insufficient to determine the role of this variant in disease. Therefore, it has been classified as a Variant of Uncertain Significance.